The following is an entry in ClinVar:

ClinVar aggregate classification (germline): Uncertain significance (1 of 4 stars; one submission).

Conditions:
Kleefstra syndrome 2 (KLEFS2). Identifiers: MedGen C4540395, MONDO:0054701, OMIM 617768.

Submission:

New York Genome Center
Classification: Uncertain significance for Kleefstra syndrome 2. Last evaluated: 2021-04-23. Review status: criteria provided, single submitter. Criteria: NYGC Assertion Criteria 2020. Collection method: clinical testing. Allele origin: germline. Observed: 1 heterozygote. Study: CSER-NYCKidSeq.
Comment: The heterozygous c.1665G>T (p.Met555Ile) variant identified in the KMT2C gene substitutes a moderately conserved Methionine for Isoleucine at amino acid 555/4912 (exon 12/59). This variant is absent from gnomAD(v2.1.1) suggesting it is not a common benign variant in the populations represented in that database. In silico algorithms predict this variant to be Tolerated (SIFT; score:0.354) and Benign (REVEL; score:0.133) to the function of the canonical transcript. This variant is absent from ClinVar and to our current knowledge has not been reported in affected individuals in the literature. The p.Met555 residue is not within a mapped domain of KMT2C (UniProtKB:Q8NEZ4). Given the lack of compelling evidence for its pathogenicity, the c.1665G>T (p.Met555Ile) variant identified in the KMT2C gene is reported as a Variant of Uncertain Significance.

NM_170606.3(KMT2C):c.1665G>T (p.Met555Ile)

Gene: KMT2C (lysine methyltransferase 2C; minus strand). Cytogenetic location: 7q36.1.
Variant type: single nucleotide variant.
Coding change: c.1665G>T on transcript NM_170606.3 (MANE Select); coding-DNA position 1665, G replaced by T.
Protein change: p.Met555Ile; replaces methionine 555 with isoleucine.
Molecular consequence: missense variant.
Genome position (GRCh38, 1-based): chr7:152,250,923, C>A on the plus strand (G>T on the coding strand, the complement: KMT2C is on the minus strand). VCF-style: chr7-152250923-C-A. GRCh37 (hg19) VCF-style: chr7-151948008-C-A.
Other names: short protein forms M555I.
Identifiers: ClinVar variation 1679565 (VCV001679565.1), dbSNP rs552470432, ClinGen allele CA370084143.